The following is an entry in ClinVar:

NM_002878.4(RAD51D):c.264-3C>G

Genes: RAD51D (RAD51 paralog D; minus strand), RAD51L3-RFFL (RAD51L3-RFFL readthrough; minus strand). Cytogenetic location: 17q12.
Variant type: single nucleotide variant.
Coding change: c.264-3C>G on transcript NM_002878.4 (MANE Select); 3 bases into the intron before coding-DNA position 264, C replaced by G.
Molecular consequence: intron variant.
Genome position (GRCh38, 1-based): chr17:35,107,450, G>C on the plus strand (C>G on the coding strand, the complement: RAD51D is on the minus strand). VCF-style: chr17-35107450-G-C. GRCh37 (hg19) VCF-style: chr17-33434469-G-C.
Other names: c.145-969C>G (NM_133629.3); c.324-3C>G (NM_001142571.2).
Identifiers: ClinVar variation 2448055 (VCV002448055.3), dbSNP rs1597863415, ClinGen allele CA2257335936.
Genomic context (GRCh38, chr17:35,107,450, plus strand): 5'-TCCTACAATTTCAGTCACTTCTCCAGTATAGAGACCAGCATCAAGCAGTTTATCAAGACT[G>C]ATGGCAGAAGAGAAGAAAATCAACACAAGAGGTTAGGAGGAAGACAGGGGAAAAGGTACC-3'

ClinVar aggregate classification (germline): Uncertain significance (1 of 4 stars; one submission).

Conditions:
Hereditary cancer-predisposing syndrome. Also called: Tumor predisposition; Hereditary Cancer Syndrome; Hereditary neoplastic syndrome; Neoplastic Syndromes, Hereditary. Identifiers: Orphanet 140162, MedGen C0027672, MeSH D009386, MONDO:0015356.

Submission:

Ambry Genetics
Classification: Uncertain significance for Hereditary cancer-predisposing syndrome. Last evaluated: 2026-05-29. Review status: criteria provided, single submitter. Criteria: Ambry Variant Classification Scheme 2023. Collection method: clinical testing. Allele origin: germline.
Comment: The c.264-3C>G intronic variant results from a C to G substitution 3 nucleotides upstream from coding exon 4 in the RAD51D gene. This nucleotide position is well conserved in available vertebrate species. In silico splice site analysis predicts that this alteration will weaken the native splice acceptor site; however, direct evidence is insufficient at this time (Ambry internal data). Since supporting evidence is limited at this time, the clinical significance of this alteration remains unclear.